The following is an entry in ClinVar:

ClinVar aggregate classification (germline): Pathogenic (1 of 4 stars; one submission).

Submission:

ISCA site 15
Classification: Pathogenic. Last evaluated: 2011-08-12. Review status: criteria provided, single submitter. Criteria: Kaminsky et al. (Genet Med. 2011). Collection method: clinical testing. Allele origin: unknown. Affected: yes. Observed: 1 variant allele.
Comment: Copy number variation identified through the course of routine clinical cytogenomic testing in postnatal populations. Clinical assertions have been curated as described in Kaminsky et al. 2011.

GRCh38/hg38 2q31.1-32.1(chr2:170407688-186189894)x1

Genes: MAP3K20 (mitogen-activated protein kinase kinase kinase 20; plus strand), MAP3K20-AS1 (MAP3K20 antisense RNA 1; minus strand), METAP1D (methionyl aminopeptidase type 1D, mitochondrial; plus strand), METTL8 (methyltransferase 8, tRNA N3-cytidine; minus strand), MIR10B (microRNA 10b; plus strand) and 411 more. Cytogenetic location: 2q31.1-32.1.
Variant type: copy number loss.
Change: copy number 1 (one copy instead of two) of chr2:170,407,688-186,189,894 (15.78 Mb, GRCh38 coordinates, 1-based), cytogenetic band 2q31.1-32.1.
Identifiers: ClinVar variation 60253 (VCV000060253.1).